The following is an entry in ClinVar:

ClinVar aggregate classification (germline): Pathogenic (1 of 4 stars; one submission).

Conditions:
Junctional epidermolysis bullosa. Identifiers: Orphanet 305, MedGen C0079301, MONDO:0017612.

Submission:

Myriad Genetics, Inc.
Classification: Pathogenic for Junctional epidermolysis bullosa. Last evaluated: 2026-08-12. Review status: criteria provided, single submitter. Criteria: Myriad Autosomal Dominant, Autosomal Recessive and X-Linked Classification Criteria (2023). Collection method: clinical testing. Allele origin: unknown.
Comment: NM_000227.3(LAMA3):c.2518delA(I840Sfs*29) is a frameshift variant classified as pathogenic in the context of junctional epidermolysis bullosa, LAMA3-related. I840Sfs*29 has not been observed in cases with relevant disease. Relevant functional assessments of this variant are not available in the literature. I840Sfs*29 has not been observed in referenced population frequency databases. In summary, NM_000227.3(LAMA3):c.2518delA(I840Sfs*29) is a frameshift variant in a gene where loss of function is a known mechanism of disease and is predicted to disrupt protein function. Please note: this variant was assessed in the context of healthy population screening.

NM_198129.4(LAMA3):c.7345del (p.Ile2449fs)

Gene: LAMA3 (laminin subunit alpha 3; plus strand). Cytogenetic location: 18q11.2.
Variant type: Deletion.
Coding change: c.7345del on transcript NM_198129.4 (MANE Select); coding-DNA position 7345, one base deleted (A; older notation c.7345delA).
Protein change: p.Ile2449fs; shifts the reading frame from isoleucine 2449.
Molecular consequence: frameshift variant.
Genome position (GRCh38, 1-based): chr18:23,914,425, A deleted. VCF-style (leftmost placement, unchanged base first): chr18-23914424-CA-C. GRCh37 (hg19) VCF-style: chr18-21494388-CA-C.
Other names: c.2518del, p.Ile840fs (NM_000227.6); c.7177del, p.Ile2393fs (NM_001127717.4); c.2350del, p.Ile784fs (NM_001127718.4); short protein forms I840fs, I2449fs, I784fs, I2393fs.
Identifiers: ClinVar variation 5004844 (VCV005004844.1).
Genomic context (GRCh38, chr18:23,914,424, plus strand): 5'-GAGAAACCACAATGTGAAGTGTTCTGAGGTGGCCCTTTGTCTCCAGGCCTCCCGGGACTA[CA>C]TCGGCATGGCAGTTGTGGATGGCCAGCTCACCTGTGTCTACAACCTGGGGGACCGTGAGG-3'